The following is an entry in ClinVar:

ClinVar aggregate classification (germline): Likely benign. Review status: criteria provided, multiple submitters, no conflicts (2 of 4 stars). 2 submissions from 2 submitters: Likely benign (2). Last evaluated 2023-12-09.

Conditions:
Neurodevelopmental disorder with or without hyperkinetic movements and seizures, autosomal dominant. Also called: Intellectual disability, autosomal dominant 8. Identifiers: MedGen C3280282, MONDO:0013655, OMIM 614254.

Allele frequency attached by ClinVar (database versions not stated): gnomAD exomes below 0.00001; ExAC 0.00001.
gnomAD v4.1: 3 of 1,613,506 alleles (0.00019%); highest among the groups gnomAD compares: Non-Finnish European, 0.00025%; no homozygotes.

Submissions (2):

Labcorp Genetics (formerly Invitae), Labcorp
Classification: Likely benign for Neurodevelopmental disorder with or without hyperkinetic movements and seizures, autosomal dominant. Last evaluated: 2023-12-09. Review status: criteria provided, single submitter. Criteria: Invitae Variant Classification Sherloc (09022015). Collection method: clinical testing. Allele origin: germline.

CeGaT Center for Human Genetics Tuebingen
Classification: Likely benign. Last evaluated: 2022-07-01. Review status: criteria provided, single submitter. Criteria: CeGaT Center For Human Genetics Tuebingen Variant Classification Criteria Version 2. Collection method: clinical testing. Allele origin: germline. Affected: yes. Observed: 1 variant allele.
Comment: GRIN1: BP4, BP7

NM_007327.4(GRIN1):c.2331C>T (p.Leu777=)

Gene: GRIN1 (glutamate ionotropic receptor NMDA type subunit 1; plus strand). Cytogenetic location: 9q34.3.
Variant type: single nucleotide variant.
Coding change: c.2331C>T on transcript NM_007327.4 (MANE Select); coding-DNA position 2331, C replaced by T.
Protein change: p.Leu777=; no amino-acid change (leucine 777 retained).
Molecular consequence: synonymous variant.
Genome position (GRCh38, 1-based): chr9:137,163,328, C>T. VCF-style: chr9-137163328-C-T. GRCh37 (hg19) VCF-style: chr9-140057780-C-T.
Other names: c.2331C>T, p.Leu777= (NM_000832.7, NM_021569.4); c.2394C>T, p.Leu798= (NM_001185090.2, NM_001185091.2).
Identifiers: ClinVar variation 2659811 (VCV002659811.27), dbSNP rs200669368, ClinGen allele CA5361097.